The following is an entry in ClinVar:

NM_018671.5(UNC45A):c.343C>T (p.Leu115=)

Gene: UNC45A (unc-45 myosin chaperone A; plus strand). Cytogenetic location: 15q26.1.
Variant type: single nucleotide variant.
Coding change: c.343C>T on transcript NM_018671.5 (MANE Select); coding-DNA position 343, C replaced by T.
Protein change: p.Leu115=; no amino-acid change (leucine 115 retained).
Molecular consequence: synonymous variant. On other transcripts: 5 prime UTR variant (1).
Genome position (GRCh38, 1-based): chr15:90,936,377, C>T. VCF-style: chr15-90936377-C-T. GRCh37 (hg19) VCF-style: chr15-91479607-C-T.
Other names: c.298C>T, p.Leu100= (NM_001039675.2, NM_001323621.2); c.343C>T, p.Leu115= (NM_001323619.1); c.-93C>T (NM_001323620.2).
Identifiers: ClinVar variation 1966934 (VCV001966934.11), dbSNP rs1446292486, ClinGen allele CA492171970.

ClinVar aggregate classification (germline): Likely benign. Review status: criteria provided, multiple submitters, no conflicts (2 of 4 stars). 2 submissions from 2 submitters: Likely benign (2). Last evaluated 2025-10-01.

Submissions (2):

CeGaT Center for Human Genetics Tuebingen
Classification: Likely benign. Last evaluated: 2025-10-01. Review status: criteria provided, single submitter. Criteria: CeGaT Center For Human Genetics Tuebingen Variant Classification Criteria Version 2. Collection method: clinical testing. Allele origin: germline. Affected: yes. Observed: 1 variant allele.
Comment: UNC45A: PM2:Supporting, BP4, BP7

Labcorp Genetics (formerly Invitae), Labcorp
Classification: Likely benign. Last evaluated: 2022-01-17. Review status: criteria provided, single submitter. Criteria: Invitae Variant Classification Sherloc (09022015). Collection method: clinical testing. Allele origin: germline.